The following is an entry in ClinVar:

NM_000094.4(COL7A1):c.6976C>A (p.Pro2326Thr)

Gene: COL7A1 (collagen type VII alpha 1 chain; minus strand). Cytogenetic location: 3p21.31.
Variant type: single nucleotide variant.
Coding change: c.6976C>A on transcript NM_000094.4 (MANE Select); coding-DNA position 6976, C replaced by A.
Protein change: p.Pro2326Thr; replaces proline 2326 with threonine.
Molecular consequence: missense variant.
Genome position (GRCh38, 1-based): chr3:48,572,382, G>T on the plus strand (C>A on the coding strand, the complement: COL7A1 is on the minus strand). VCF-style: chr3-48572382-G-T. GRCh37 (hg19) VCF-style: chr3-48609815-G-T.
Other names: short protein forms P2326T.
Identifiers: ClinVar variation 2167192 (VCV002167192.1), dbSNP rs574592143, ClinGen allele CA2378759.

ClinVar aggregate classification (germline): Uncertain significance (1 of 4 stars; one submission).

Allele frequency attached by ClinVar (database versions not stated): gnomAD 0.00001; gnomAD exomes 0.00001; ExAC 0.00002; 1000 Genomes Project 30x 0.00016; 1000 Genomes Project 0.00020.

Submission:

Labcorp Genetics (formerly Invitae), Labcorp
Classification: Uncertain significance. Last evaluated: 2021-09-17. Review status: criteria provided, single submitter. Criteria: Invitae Variant Classification Sherloc (09022015). Collection method: clinical testing. Allele origin: germline.
Comment: This sequence change replaces proline with threonine at codon 2326 of the COL7A1 protein (p.Pro2326Thr). The proline residue is highly conserved and there is a small physicochemical difference between proline and threonine. This variant is present in population databases (rs574592143, ExAC 0.02%). This variant has not been reported in the literature in individuals with COL7A1-related conditions. Algorithms developed to predict the effect of missense changes on protein structure and function are either unavailable or do not agree on the potential impact of this missense change (SIFT: "Deleterious"; PolyPhen-2: "Probably Damaging"; Align-GVGD: "Class C0"). In summary, the available evidence is currently insufficient to determine the role of this variant in disease. Therefore, it has been classified as a Variant of Uncertain Significance.